The following is an entry in ClinVar:

NM_014629.4(ARHGEF10):c.1985G>A (p.Arg662His)

Gene: ARHGEF10 (Rho guanine nucleotide exchange factor 10; plus strand). Cytogenetic location: 8p23.3.
Variant type: single nucleotide variant.
Coding change: c.1985G>A on transcript NM_014629.4 (MANE Select); coding-DNA position 1985, G replaced by A.
Protein change: p.Arg662His; replaces arginine 662 with histidine.
Molecular consequence: missense variant.
Genome position (GRCh38, 1-based): chr8:1,909,312, G>A. VCF-style: chr8-1909312-G-A. GRCh37 (hg19) VCF-style: chr8-1857478-G-A.
Other names: c.1871G>A, p.Arg624His (NM_001308152.2); c.1985G>A, p.Arg662His (NM_001308153.3); short protein forms R624H, R662H, R686H.
Identifiers: ClinVar variation 3609289 (VCV003609289.6).

ClinVar aggregate classification (germline): Conflicting classifications of pathogenicity. Review status: criteria provided, conflicting classifications (1 of 4 stars). 2 submissions from 2 submitters: Uncertain significance (1); Likely benign (1). Last evaluated 2026-03-01.

gnomAD v4.1: 25 of 1,614,082 alleles (0.0015%); highest among the groups gnomAD compares: Admixed American, 0.0033%; no homozygotes.

Submissions (2):

CeGaT Center for Human Genetics Tuebingen
Classification: Likely benign. Last evaluated: 2026-03-01. Review status: criteria provided, single submitter. Criteria: CeGaT Center For Human Genetics Tuebingen Variant Classification Criteria Version 2. Collection method: clinical testing. Allele origin: germline. Affected: yes. Observed: 1 variant allele.
Comment: ARHGEF10: BP4

Labcorp Genetics (formerly Invitae), Labcorp
Classification: Uncertain significance. Last evaluated: 2024-06-12. Review status: criteria provided, single submitter. Criteria: Invitae Variant Classification Sherloc (09022015). Collection method: clinical testing. Allele origin: germline.
Comment: This sequence change replaces arginine, which is basic and polar, with histidine, which is basic and polar, at codon 662 of the ARHGEF10 protein (p.Arg662His). This variant is present in population databases (rs374011959, gnomAD 0.006%). This variant has not been reported in the literature in individuals affected with ARHGEF10-related conditions. Advanced modeling of protein sequence and biophysical properties (such as structural, functional, and spatial information, amino acid conservation, physicochemical variation, residue mobility, and thermodynamic stability) performed at Invitae indicates that this missense variant is not expected to disrupt ARHGEF10 protein function with a negative predictive value of 80%. In summary, the available evidence is currently insufficient to determine the role of this variant in disease. Therefore, it has been classified as a Variant of Uncertain Significance.